The following is an entry in ClinVar:

ClinVar aggregate classification (germline): Pathogenic. Review status: criteria provided, single submitter (1 of 4 stars). 2 submissions from 2 submitters: Pathogenic (1). 1 of the submissions does not count toward it. Last evaluated 2023-12-19.

Conditions:
Neutropenia, severe congenital, 1, autosomal dominant. Identifiers: MedGen C1859966, MONDO:0042490, OMIM 202700.
Cyclical neutropenia. Also called: Cyclic hematopoiesis; Cyclic Neutropenia. Identifiers: Orphanet 2686, MedGen C0221023, MONDO:0008090, OMIM 162800, HP:0040289. Disease mechanism: loss of function.

Submissions (2):

Labcorp Genetics (formerly Invitae), Labcorp
Classification: Pathogenic for Neutropenia, severe congenital, 1, autosomal dominant; Cyclical neutropenia. Last evaluated: 2023-12-19. Review status: criteria provided, single submitter. Criteria: Invitae Variant Classification Sherloc (09022015). Collection method: clinical testing. Allele origin: germline.
Comment: This sequence change creates a premature translational stop signal (p.Leu180Serfs*11) in the ELANE gene. While this is not anticipated to result in nonsense mediated decay, it is expected to disrupt the last 88 amino acid(s) of the ELANE protein. This variant is not present in population databases (gnomAD no frequency). This premature translational stop signal has been observed in individuals with cyclic neutropenia or severe congenital neutropenia (PMID: 31574885, 36734404). ClinVar contains an entry for this variant (Variation ID: 1918199). Experimental studies and prediction algorithms are not available or were not evaluated, and the functional significance of this variant is currently unknown. This variant is located in a region of the ELANE protein where a significant number of ELANE nonsense and -1/+2 frameshift mutations have been reported in association with autosomal dominant ELANE-related neutropenia (PMID: 33513358, 23463630, 34340247). For these reasons, this variant has been classified as Pathogenic.

Laboratory of Immunopathology and Genetics, Medical Laboratory of Pediatric Oncology and Hematology, Central Clinical Hospital of the Medical University of Lodz
Classification: Likely pathogenic for Neutropenia, severe congenital, 1, autosomal dominant. Last evaluated: 2024-12-01. Review status: no assertion criteria provided. Collection method: clinical testing. Allele origin: germline. Affected: yes. Observed: 1 variant allele. Not counted in ClinVar's aggregate classification.

Literature cited by the submitters: PubMed 31574885 (cited by Labcorp Genetics (formerly Invitae), Labcorp and Laboratory of Immunopathology and Genetics, Medical Laboratory of Pediatric Oncology and Hematology, Central Clinical Hospital of the Medical University of Lodz); PubMed 36734404 (cited by Labcorp Genetics (formerly Invitae), Labcorp); PubMed 33513358 (cited by Labcorp Genetics (formerly Invitae), Labcorp); PubMed 23463630 (cited by Labcorp Genetics (formerly Invitae), Labcorp); PubMed 34340247 (cited by Labcorp Genetics (formerly Invitae), Labcorp).

NM_001972.4(ELANE):c.538del (p.Leu180fs)

Gene: ELANE (elastase, neutrophil expressed; plus strand). Cytogenetic location: 19p13.3.
Variant type: Deletion.
Coding change: c.538del on transcript NM_001972.4 (MANE Select); coding-DNA position 538, one base deleted (C; older notation c.538delC).
Protein change: p.Leu180fs; shifts the reading frame from leucine 180.
Molecular consequence: frameshift variant.
Genome position (GRCh38, 1-based): chr19:855,735, C deleted; the last of 3 consecutive C bases (chr19:855,733-855,735); deleting any one gives the same sequence. VCF-style (leftmost placement, unchanged base first): chr19-855732-TC-T. GRCh37 (hg19) VCF-style: chr19-855732-TC-T.
Other names: c.538delC (NM_001972.4); short protein forms L180fs.
Identifiers: ClinVar variation 1918199 (VCV001918199.6), dbSNP rs2512168552, ClinGen allele CA2580096963.